The following is an entry in ClinVar:

NM_001278064.2(GRM1):c.3426G>T (p.Ser1142=)

Gene: GRM1 (glutamate metabotropic receptor 1; plus strand). Cytogenetic location: 6q24.3.
Variant type: single nucleotide variant.
Coding change: c.3426G>T on transcript NM_001278064.2 (MANE Select); coding-DNA position 3426, G replaced by T.
Protein change: p.Ser1142=; no amino-acid change (serine 1142 retained).
Molecular consequence: synonymous variant. On other transcripts: 3 prime UTR variant (3).
Genome position (GRCh38, 1-based): chr6:146,434,637, G>T. VCF-style: chr6-146434637-G-T. GRCh37 (hg19) VCF-style: chr6-146755773-G-T.
Other names: c.*790G>T (NM_001278065.2); c.*755G>T (NM_001278066.1); c.*664G>T (NM_001278067.1).
Identifiers: ClinVar variation 447465 (VCV000447465.35), dbSNP rs147521426, ClinGen allele CA4037704.
Genomic context (GRCh38, chr6:146,434,637, plus strand): 5'-CGAACTGGAAGAGGAGGAGGAGGACCTGCAGGCGGCCAGCAAACTGACCCCGGATGATTC[G>T]CCTGCGCTGACGCCTCCGTCGCCTTTCCGCGACTCGGTGGCCTCGGGCAGCTCGGTGCCC-3'
Protein context (NP_001264993.1, residues 1132-1152): QAASKLTPDD[Ser1142=]PALTPPSPFR

ClinVar aggregate classification (germline): Likely benign. Review status: criteria provided, multiple submitters, no conflicts (2 of 4 stars). 6 submissions from 6 submitters: Likely benign (5). 1 of the submissions does not count toward it. Last evaluated 2026-04-17.

Conditions:
GRM1-related disorder. Also called: GRM1-related condition.

Allele frequency attached by ClinVar (database versions not stated): gnomAD exomes 0.00017; ExAC 0.00019; TOPMed 0.00028; ESP Exome Variant Server 0.00062.
gnomAD v4.1: 714 of 1,611,164 alleles (0.044%); highest among the groups gnomAD compares: Non-Finnish European, 0.054%; 1 homozygote.

Submissions (6):

Women's Health and Genetics/Laboratory Corporation of America, LabCorp
Classification: Likely benign. Last evaluated: 2026-04-17. Review status: criteria provided, single submitter. Criteria: LabCorp Variant Classification Summary - May 2015. Collection method: clinical testing. Allele origin: germline.

CeGaT Center for Human Genetics Tuebingen
Classification: Likely benign. Last evaluated: 2026-04-01. Review status: criteria provided, single submitter. Criteria: CeGaT Center For Human Genetics Tuebingen Variant Classification Criteria Version 2. Collection method: clinical testing. Allele origin: germline. Affected: yes. Observed: 4 variant alleles.
Comment: GRM1: BP4, BP7

Labcorp Genetics (formerly Invitae), Labcorp
Classification: Likely benign. Last evaluated: 2025-02-13. Review status: criteria provided, single submitter. Criteria: Invitae Variant Classification Sherloc (09022015). Collection method: clinical testing. Allele origin: germline.

Blueprint Genetics
Classification: Likely benign. Last evaluated: 2024-10-23. Review status: criteria provided, single submitter. Criteria: ACMG Guidelines, 2015. Collection method: clinical testing. Allele origin: germline.

Athena Diagnostics
Classification: Likely benign. Last evaluated: 2017-02-16. Review status: criteria provided, single submitter. Criteria: Athena Diagnostics Criteria. Collection method: clinical testing. Allele origin: germline.

PreventionGenetics, part of Exact Sciences
Classification: Likely benign for GRM1-related condition. Last evaluated: 2019-08-07. Review status: no assertion criteria provided. Collection method: clinical testing. Allele origin: germline. Not counted in ClinVar's aggregate classification.
Comment: This variant is classified as likely benign based on ACMG/AMP sequence variant interpretation guidelines (Richards et al. 2015 PMID: 25741868, with internal and published modifications).

Literature cited by the submitters: PubMed 22448230 (cited by Athena Diagnostics).